The following is an entry in ClinVar:

NM_001351132.2(PEX5):c.205G>A (p.Asp69Asn)

Gene: PEX5 (peroxisomal biogenesis factor 5; plus strand). Cytogenetic location: 12p13.31.
Variant type: single nucleotide variant.
Coding change: c.205G>A on transcript NM_001351132.2 (MANE Select); coding-DNA position 205, G replaced by A.
Protein change: p.Asp69Asn; replaces aspartic acid 69 with asparagine.
Molecular consequence: missense variant.
Genome position (GRCh38, 1-based): chr12:7,191,247, G>A. VCF-style: chr12-7191247-G-A. GRCh37 (hg19) VCF-style: chr12-7343843-G-A.
Other names: c.205G>A, p.Asp69Asn (NM_001351128.2, NM_001351130.3, NM_001351131.2 and 19 more transcripts); c.250G>A, p.Asp84Asn (NM_001351135.3, NM_001351138.2, NM_001131023.2); short protein forms D84N, D69N.
Identifiers: ClinVar variation 1502021 (VCV001502021.3), dbSNP rs1941048067, ClinGen allele CA383710669.

ClinVar aggregate classification (germline): Uncertain significance (1 of 4 stars; one submission).

Conditions:
Peroxisome biogenesis disorder 2B (PBD2B). Identifiers: Orphanet 44, MedGen C3550234, MONDO:0008736, OMIM 202370.

Allele frequency attached by ClinVar (database versions not stated): TOPMed below 0.00001; gnomAD 0.00001.
gnomAD v4.1: 1 of 1,613,994 alleles (0.000062%); highest among the groups gnomAD compares: Non-Finnish European, 0.000085%; no homozygotes.

Submission:

Labcorp Genetics (formerly Invitae), Labcorp
Classification: Uncertain significance for Peroxisome biogenesis disorder 2B. Last evaluated: 2022-09-01. Review status: criteria provided, single submitter. Criteria: Invitae Variant Classification Sherloc (09022015). Collection method: clinical testing. Allele origin: germline.
Comment: This sequence change replaces aspartic acid, which is acidic and polar, with asparagine, which is neutral and polar, at codon 69 of the PEX5 protein (p.Asp69Asn). This variant is not present in population databases (gnomAD no frequency). This variant has not been reported in the literature in individuals affected with PEX5-related conditions. ClinVar contains an entry for this variant (Variation ID: 1502021). Algorithms developed to predict the effect of missense changes on protein structure and function (SIFT, PolyPhen-2, Align-GVGD) all suggest that this variant is likely to be tolerated. In summary, the available evidence is currently insufficient to determine the role of this variant in disease. Therefore, it has been classified as a Variant of Uncertain Significance.